The following is an entry in ClinVar:

ClinVar aggregate classification (germline): Uncertain significance (1 of 4 stars; one submission).

Allele frequency attached by ClinVar (database versions not stated): gnomAD 0.00001; TOPMed 0.00001.
gnomAD v4.1: 16 of 1,614,102 alleles (0.00099%); highest among the groups gnomAD compares: African/African-American, 0.0013%; no homozygotes.

Submission:

Labcorp Genetics (formerly Invitae), Labcorp
Classification: Uncertain significance. Last evaluated: 2021-12-10. Review status: criteria provided, single submitter. Criteria: Invitae Variant Classification Sherloc (09022015). Collection method: clinical testing. Allele origin: germline.
Comment: This sequence change replaces serine, which is neutral and polar, with phenylalanine, which is neutral and non-polar, at codon 1632 of the MCM3AP protein (p.Ser1632Phe). This variant is not present in population databases (gnomAD no frequency). This variant has not been reported in the literature in individuals affected with MCM3AP-related conditions. Algorithms developed to predict the effect of missense changes on protein structure and function are either unavailable or do not agree on the potential impact of this missense change (SIFT: "Deleterious"; PolyPhen-2: "Probably Damaging"; Align-GVGD: "Class C0"). In summary, the available evidence is currently insufficient to determine the role of this variant in disease. Therefore, it has been classified as a Variant of Uncertain Significance.

NM_003906.5(MCM3AP):c.4895C>T (p.Ser1632Phe)

Genes: MCM3AP (minichromosome maintenance complex component 3 associated protein; minus strand), MCM3AP-AS1 (MCM3AP antisense RNA 1; plus strand). Cytogenetic location: 21q22.3.
Variant type: single nucleotide variant.
Coding change: c.4895C>T on transcript NM_003906.5 (MANE Select); coding-DNA position 4895, C replaced by T.
Protein change: p.Ser1632Phe; replaces serine 1632 with phenylalanine.
Molecular consequence: missense variant.
Genome position (GRCh38, 1-based): chr21:46,244,950, G>A on the plus strand (C>T on the coding strand, the complement: MCM3AP is on the minus strand). VCF-style: chr21-46244950-G-A. GRCh37 (hg19) VCF-style: chr21-47664864-G-A.
Other names: short protein forms S1632F.
Identifiers: ClinVar variation 1492888 (VCV001492888.6), dbSNP rs1439631524, ClinGen allele CA410543286.
Genomic context (GRCh38, chr21:46,244,950, plus strand): 5'-CAGTGCAGGTGAGGAAGCAGCCGGCTGCCCCCTGCCTCAGCAAACTCAGTGACAGGCCAG[G>A]ACAGGTCACACAGCTGTTCAGAGGACACCACAGAAGCCAGGAACTGCAGCACACTGTTAA-3'
Protein context (NP_003897.2, residues 1622-1642): VVSSEQLCDL[Ser1632Phe]WPVTEFAEAG